The following is an entry in ClinVar:

NM_014694.4(ADAMTSL2):c.91-5C>T

Gene: ADAMTSL2 (ADAMTS like 2; plus strand). Cytogenetic location: 9q34.2.
Variant type: single nucleotide variant.
Coding change: c.91-5C>T on transcript NM_014694.4 (MANE Select); 5 bases into the intron before coding-DNA position 91, C replaced by T.
Molecular consequence: intron variant.
Genome position (GRCh38, 1-based): chr9:133,537,400, C>T. VCF-style: chr9-133537400-C-T. GRCh37 (hg19) VCF-style: chr9-136402522-C-T.
Other names: c.91-5C>T (NM_001145320.2).
Identifiers: ClinVar variation 3054919 (VCV003054919.2), dbSNP rs200940324, ClinGen allele CA5312477.
Genomic context (GRCh38, chr9:133,537,400, plus strand): 5'-GTGGGGGCAGGCTGGTCCTCCTGGGCACTTGAGCCCTCTACCATCTGGGGGTCCCTCTCA[C>T]CCAGGACAACAGCCCAACATCCAATAGCCTGGAGGGGGGCACCGACGCCACGGCCTTCTG-3'

ClinVar aggregate classification (germline): Likely benign (0 of 4 stars; one submission).

Conditions:
ADAMTSL2-related disorder. Also called: ADAMTSL2-related condition.

Allele frequency attached by ClinVar (database versions not stated): ExAC 0.00001; gnomAD 0.00001; TOPMed 0.00002; gnomAD exomes 0.00004.
gnomAD v4.1: 48 of 1,339,712 alleles (0.0036%); highest among the groups gnomAD compares: Non-Finnish European, 0.0044%; no homozygotes.

Submission:

PreventionGenetics, part of Exact Sciences
Classification: Likely benign for ADAMTSL2-related condition. Last evaluated: 2023-11-10. Review status: no assertion criteria provided. Collection method: clinical testing. Allele origin: germline.
Comment: This variant is classified as likely benign based on ACMG/AMP sequence variant interpretation guidelines (Richards et al. 2015 PMID: 25741868, with internal and published modifications).